The following is an entry in ClinVar:

NM_000266.4(NDP):c.101C>T (p.Ser34Leu)

Genes: NDP (norrin cystine knot growth factor NDP; minus strand), NDP-AS1 (NDP antisense RNA 1; plus strand). Cytogenetic location: Xp11.3.
Variant type: single nucleotide variant.
Coding change: c.101C>T on transcript NM_000266.4 (MANE Select); coding-DNA position 101, C replaced by T.
Protein change: p.Ser34Leu; replaces serine 34 with leucine.
Molecular consequence: missense variant.
Genome position (GRCh38, 1-based): chrX:43,958,545, G>A on the plus strand (C>T on the coding strand, the complement: NDP is on the minus strand). VCF-style: chrX-43958545-G-A. GRCh37 (hg19) VCF-style: chrX-43817791-G-A.
Other names: short protein forms S34L.
Identifiers: ClinVar variation 588804 (VCV000588804.16), dbSNP rs144031424, ClinGen allele CA10391444.
Genomic context (GRCh38, chrX:43,958,545, plus strand): 5'-TTGTACAATGGGTGACTGATAGAATCCACATAGTGGTGCCTCATGCAGCGTCGAGGGTCC[G>A]AGTCCATTATGAATGAGCTGTCCGTTTTACTGTCTGTATCTCCCATTATCACCAGCAGGG-3'
Protein context (NP_000257.1, residues 24-44): SKTDSSFIMD[Ser34Leu]DPRRCMRHHY

ClinVar aggregate classification (germline): Conflicting classifications of pathogenicity. Review status: criteria provided, conflicting classifications (1 of 4 stars). 4 submissions from 4 submitters: Uncertain significance (1); Benign (1); Likely benign (2). Last evaluated 2024-10-31.

Conditions:
Inborn genetic diseases. Identifiers: MedGen C0950123, MeSH D030342.

Allele frequency attached by ClinVar (database versions not stated): ExAC 0.00003; gnomAD 0.00003; gnomAD exomes 0.00003 and 0.00004; TOPMed 0.00003; ESP Exome Variant Server 0.00009.
gnomAD v4.1: 44 of 1,210,034 alleles (0.0036%); highest among the groups gnomAD compares: African/African-American, 0.0052%; no homozygotes.

Submissions (4):

Blueprint Genetics
Classification: Likely benign. Last evaluated: 2024-10-31. Review status: criteria provided, single submitter. Criteria: ACMG Guidelines, 2015. Collection method: clinical testing. Allele origin: germline.

Labcorp Genetics (formerly Invitae), Labcorp
Classification: Benign. Last evaluated: 2022-08-31. Review status: criteria provided, single submitter. Criteria: Invitae Variant Classification Sherloc (09022015). Collection method: clinical testing. Allele origin: germline.

GeneDx
Classification: Likely benign. Last evaluated: 2018-05-30. Review status: criteria provided, single submitter. Criteria: GeneDx Variant Classification (06012015). Collection method: clinical testing. Allele origin: germline. Affected: yes.
Comment: This variant is considered likely benign or benign based on one or more of the following criteria: it is a conservative change, it occurs at a poorly conserved position in the protein, it is predicted to be benign by multiple in silico algorithms, and/or has population frequency not consistent with disease.

Ambry Genetics
Classification: Uncertain significance for Inborn genetic diseases. Last evaluated: 2017-02-15. Review status: criteria provided, single submitter. Criteria: Ambry Variant Classification Scheme 2023. Collection method: clinical testing. Allele origin: germline.
Comment: The p.S34L variant (also known as c.101C>T), located in coding exon 1 of the NDP gene, results from a C to T substitution at nucleotide position 101. The serine at codon 34 is replaced by leucine, an amino acid with dissimilar properties. This amino acid position is not well conserved in available vertebrate species. In addition, the in silico prediction for this alteration is inconclusive. Since supporting evidence is limited at this time, the clinical significance of this alteration remains unclear.